The following continues an entry in ClinVar:

NM_002844.4(PTPRK):c.485A>G (p.Asn162Ser)

Gene: PTPRK. ClinVar aggregate classification (germline): Benign/Likely benign. Benign (1); Likely benign (1).

Submissions 33 to 43 of 43:

Dr. Peter K. Rogan Lab, Western University
No classification provided (evidence only). Condition: Sarcoma. Review status: no classification provided. Collection method: in vitro. Allele origin: not applicable. Functional consequence: retained intron. Not counted in ClinVar's aggregate classification.

Dr. Peter K. Rogan Lab, Western University
No classification provided (evidence only). Condition: Malignant lymphoma, large B-cell, diffuse. Review status: no classification provided. Collection method: in vitro. Allele origin: not applicable. Functional consequence: retained intron. Not counted in ClinVar's aggregate classification.

Dr. Peter K. Rogan Lab, Western University
No classification provided (evidence only). Condition: Thymoma. Review status: no classification provided. Collection method: in vitro. Allele origin: not applicable. Functional consequence: retained intron. Not counted in ClinVar's aggregate classification.

Dr. Peter K. Rogan Lab, Western University
No classification provided (evidence only). Condition: Ovarian serous cystadenocarcinoma. Review status: no classification provided. Collection method: in vitro. Allele origin: not applicable. Functional consequence: retained intron. Not counted in ClinVar's aggregate classification.

Dr. Peter K. Rogan Lab, Western University
No classification provided (evidence only). Condition: Ovarian serous cystadenocarcinoma. Review status: no classification provided. Collection method: in vitro. Allele origin: not applicable. Functional consequence: retained intron. Not counted in ClinVar's aggregate classification.

Dr. Peter K. Rogan Lab, Western University
No classification provided (evidence only). Condition: Ovarian serous cystadenocarcinoma. Review status: no classification provided. Collection method: in vitro. Allele origin: not applicable. Functional consequence: retained intron. Not counted in ClinVar's aggregate classification.

Dr. Peter K. Rogan Lab, Western University
No classification provided (evidence only). Condition: Gastric cancer. Review status: no classification provided. Collection method: in vitro. Allele origin: not applicable. Functional consequence: retained intron. Not counted in ClinVar's aggregate classification.

Dr. Peter K. Rogan Lab, Western University
No classification provided (evidence only). Condition: Gastric cancer. Review status: no classification provided. Collection method: in vitro. Allele origin: not applicable. Functional consequence: skipped exon, retained intron. Not counted in ClinVar's aggregate classification.

Dr. Peter K. Rogan Lab, Western University
No classification provided (evidence only). Condition: Malignant tumor of esophagus. Review status: no classification provided. Collection method: in vitro. Allele origin: not applicable. Functional consequence: retained intron. Not counted in ClinVar's aggregate classification.

Dr. Peter K. Rogan Lab, Western University
No classification provided (evidence only). Condition: Malignant tumor of esophagus. Review status: no classification provided. Collection method: in vitro. Allele origin: not applicable. Functional consequence: retained intron. Not counted in ClinVar's aggregate classification.

Dr. Peter K. Rogan Lab, Western University
No classification provided (evidence only). Condition: Malignant tumor of esophagus. Review status: no classification provided. Collection method: in vitro. Allele origin: not applicable. Functional consequence: skipped exon, retained intron. Not counted in ClinVar's aggregate classification.